The following is an entry in ClinVar:

ClinVar aggregate classification (germline): Uncertain significance (1 of 4 stars; one submission).

Conditions:
Lower motor neuron syndrome with late-adult onset (SMAJ). Also called: Late-Onset Spinal Motor Neuronopathy (SMAJ); Spinal muscular atrophy, Jokela type. Identifiers: Orphanet 276435, MedGen C3554398, MONDO:0014025, OMIM 615048.
Autosomal dominant mitochondrial myopathy with exercise intolerance (IMMD). Also called: Myopathy, isolated mitochondrial, autosomal dominant. Identifiers: Orphanet 457050, MedGen C4015513, MONDO:0014532, OMIM 616209.
Frontotemporal dementia and/or amyotrophic lateral sclerosis 2. Also called: FTDALS2. Identifiers: Orphanet 275872, MedGen C4014648, MONDO:0014395, OMIM 615911.

gnomAD v4.1: 7 of 976,802 alleles (0.00072%); highest among the groups gnomAD compares: Non-Finnish European, 0.00092%; no homozygotes.

Submission:

Labcorp Genetics (formerly Invitae), Labcorp
Classification: Uncertain significance for Lower motor neuron syndrome with late-adult onset; Frontotemporal dementia and/or amyotrophic lateral sclerosis 2; Autosomal dominant mitochondrial myopathy with exercise intolerance. Last evaluated: 2025-03-11. Review status: criteria provided, single submitter. Criteria: Invitae Variant Classification Sherloc (09022015). Collection method: clinical testing. Allele origin: germline.
Comment: This sequence change replaces histidine, which is basic and polar, with arginine, which is basic and polar, at codon 26 of the CHCHD10 protein (p.His26Arg). This variant is not present in population databases (gnomAD no frequency). This variant has not been reported in the literature in individuals affected with CHCHD10-related conditions. Experimental studies and prediction algorithms are not available or were not evaluated, and the functional significance of this variant is currently unknown. In summary, the available evidence is currently insufficient to determine the role of this variant in disease. Therefore, it has been classified as a Variant of Uncertain Significance.

NM_213720.3(CHCHD10):c.77A>G (p.His26Arg)

Gene: CHCHD10 (coiled-coil-helix-coiled-coil-helix domain containing 10; minus strand). Cytogenetic location: 22q11.23.
Variant type: single nucleotide variant.
Coding change: c.77A>G on transcript NM_213720.3 (MANE Select); coding-DNA position 77, A replaced by G.
Protein change: p.His26Arg; replaces histidine 26 with arginine.
Molecular consequence: missense variant.
Genome position (GRCh38, 1-based): chr22:23,767,558, T>C on the plus strand (A>G on the coding strand, the complement: CHCHD10 is on the minus strand). VCF-style: chr22-23767558-T-C. GRCh37 (hg19) VCF-style: chr22-24109745-T-C.
Other names: c.77A>G, p.His26Arg (NM_001301339.2); short protein forms H26R.
Identifiers: ClinVar variation 3750243 (VCV003750243.2).